The following is an entry in ClinVar:

NM_152305.3(POGLUT1):c.795C>T (p.Tyr265=)

Gene: POGLUT1 (protein O-glucosyltransferase 1; plus strand). Cytogenetic location: 3q13.33.
Variant type: single nucleotide variant.
Coding change: c.795C>T on transcript NM_152305.3 (MANE Select); coding-DNA position 795, C replaced by T.
Protein change: p.Tyr265=; no amino-acid change (tyrosine 265 retained).
Molecular consequence: synonymous variant. On other transcripts: non-coding transcript variant (1).
Genome position (GRCh38, 1-based): chr3:119,488,985, C>T. VCF-style: chr3-119488985-C-T. GRCh37 (hg19) VCF-style: chr3-119207832-C-T.
Other names: c.795C>T, p.Tyr265= (NM_020231.3).
Identifiers: ClinVar variation 2023862 (VCV002023862.4), dbSNP rs2473046487, ClinGen allele CA435211730.

ClinVar aggregate classification (germline): Uncertain significance (1 of 4 stars; one submission).

Submission:

Labcorp Genetics (formerly Invitae), Labcorp
Classification: Uncertain significance. Last evaluated: 2022-10-23. Review status: criteria provided, single submitter. Criteria: Invitae Variant Classification Sherloc (09022015). Collection method: clinical testing. Allele origin: germline.
Comment: This sequence change affects codon 265 of the POGLUT1 mRNA. It is a 'silent' change, meaning that it does not change the encoded amino acid sequence of the POGLUT1 protein. This variant is not present in population databases (gnomAD no frequency). This variant has not been reported in the literature in individuals affected with POGLUT1-related conditions. Algorithms developed to predict the effect of sequence changes on RNA splicing suggest that this variant may disrupt the consensus splice site. In summary, the available evidence is currently insufficient to determine the role of this variant in disease. Therefore, it has been classified as a Variant of Uncertain Significance.